The following is an entry in ClinVar:

NM_000553.6(WRN):c.1543G>C (p.Glu515Gln)

Gene: WRN (WRN RecQ like helicase; plus strand). Cytogenetic location: 8p12.
Variant type: single nucleotide variant.
Coding change: c.1543G>C on transcript NM_000553.6 (MANE Select); coding-DNA position 1543, G replaced by C.
Protein change: p.Glu515Gln; replaces glutamic acid 515 with glutamine.
Molecular consequence: missense variant.
Genome position (GRCh38, 1-based): chr8:31,087,887, G>C. VCF-style: chr8-31087887-G-C. GRCh37 (hg19) VCF-style: chr8-30945403-G-C.
Other names: short protein forms E515Q.
Identifiers: ClinVar variation 566600 (VCV000566600.8), dbSNP rs376345065, ClinGen allele CA4704400.

ClinVar aggregate classification (germline): Uncertain significance. Review status: criteria provided, multiple submitters, no conflicts (2 of 4 stars). 3 submissions from 3 submitters: Uncertain significance (3). Last evaluated 2025-12-16.

Conditions:
Inborn genetic diseases. Identifiers: MedGen C0950123, MeSH D030342.
Werner syndrome (WRN). Identifiers: Orphanet 902, MedGen C0043119, MONDO:0010196, OMIM 277700.

Allele frequency attached by ClinVar (database versions not stated): gnomAD exomes below 0.00001 and 0.00001; ExAC 0.00001; gnomAD 0.00001; TOPMed 0.00002; ESP Exome Variant Server 0.00008.
gnomAD v4.1: 5 of 1,613,484 alleles (0.00031%); highest among the groups gnomAD compares: Non-Finnish European, 0.00042%; no homozygotes.

Submissions (3):

Ambry Genetics
Classification: Uncertain significance for Inborn genetic diseases. Last evaluated: 2025-12-16. Review status: criteria provided, single submitter. Criteria: Ambry Variant Classification Scheme 2023. Collection method: clinical testing. Allele origin: germline.

Labcorp Genetics (formerly Invitae), Labcorp
Classification: Uncertain significance for Werner syndrome. Last evaluated: 2025-07-03. Review status: criteria provided, single submitter. Criteria: Invitae Variant Classification Sherloc (09022015). Collection method: clinical testing. Allele origin: germline.
Comment: This sequence change replaces glutamic acid, which is acidic and polar, with glutamine, which is neutral and polar, at codon 515 of the WRN protein (p.Glu515Gln). This variant is not present in population databases (gnomAD no frequency). This variant has not been reported in the literature in individuals affected with WRN-related conditions. ClinVar contains an entry for this variant (Variation ID: 566600). An algorithm developed to predict the effect of missense changes on protein structure and function (PolyPhen-2) suggests that this variant is likely to be tolerated. In summary, the available evidence is currently insufficient to determine the role of this variant in disease. Therefore, it has been classified as a Variant of Uncertain Significance.

Fulgent Genetics
Classification: Uncertain significance for Werner syndrome. Last evaluated: 2024-01-08. Review status: criteria provided, single submitter. Criteria: ACMG Guidelines, 2015. Collection method: clinical testing. Allele origin: germline.